The following is an entry in ClinVar:

NC_000008.10:g.(?_17928789)_(17941567_?)dup

Gene: ASAH1 (N-acylsphingosine amidohydrolase 1; minus strand). Cytogenetic location: 8p22.
Variant type: Duplication.
Identifiers: ClinVar variation 3245615 (VCV003245615.1).

ClinVar aggregate classification (germline): Uncertain significance (1 of 4 stars; one submission).

Submission:

Labcorp Genetics (formerly Invitae), Labcorp
Classification: Uncertain significance. Last evaluated: 2023-05-22. Review status: criteria provided, single submitter. Criteria: Invitae Variant Classification Sherloc (09022015). Collection method: clinical testing. Allele origin: unknown.
Comment: In summary, the available evidence is currently insufficient to determine the role of this variant in disease. Therefore, it has been classified as a Variant of Uncertain Significance. Experimental studies and prediction algorithms are not available or were not evaluated, and the functional significance of this variant is currently unknown. This variant results in a copy number gain of the genomic region encompassing exon(s) 1-3 of the ASAH1 gene. This region includes the initiator codon of the gene. This copy number gain extends beyond the assayed region for this gene and therefore may encompass additional genes. As the precise location of this event is unknown, it may be in tandem or it may be located elsewhere in the genome. This variant has not been reported in the literature in individuals affected with ASAH1-related conditions.